The following is an entry in ClinVar:

NM_000426.4(LAMA2):c.6323G>A (p.Arg2108Gln)

Gene: LAMA2 (laminin subunit alpha 2; plus strand). Cytogenetic location: 6q22.33.
Variant type: single nucleotide variant.
Coding change: c.6323G>A on transcript NM_000426.4 (MANE Select); coding-DNA position 6323, G replaced by A.
Protein change: p.Arg2108Gln; replaces arginine 2108 with glutamine.
Molecular consequence: missense variant.
Genome position (GRCh38, 1-based): chr6:129,445,715, G>A. VCF-style: chr6-129445715-G-A. GRCh37 (hg19) VCF-style: chr6-129766860-G-A.
Other names: c.6323G>A, p.Arg2108Gln (NM_001079823.2); short protein forms R2108Q.
Identifiers: ClinVar variation 543855 (VCV000543855.11), dbSNP rs750999777, ClinGen allele CA3994241.

ClinVar aggregate classification (germline): Uncertain significance. Review status: criteria provided, multiple submitters, no conflicts (2 of 4 stars). 5 submissions from 5 submitters: Uncertain significance (5). Last evaluated 2025-02-02.

Conditions:
LAMA2-related disorder. Also called: LAMA2-related disorders; LAMA2-related condition.
Inborn genetic diseases. Identifiers: MedGen C0950123, MeSH D030342.
Congenital muscular dystrophy due to partial LAMA2 deficiency. Identifiers: MedGen C1842898.
LAMA2-related muscular dystrophy (LAMA2-RD). Also called: Laminin alpha 2-related dystrophy. Identifiers: MedGen C5679788, MONDO:0100228.

Allele frequency attached by ClinVar (database versions not stated): gnomAD 0.00001; TOPMed 0.00002; gnomAD exomes 0.00003; ExAC 0.00004.
gnomAD v4.1: 64 of 1,613,700 alleles (0.004%); highest among the groups gnomAD compares: East Asian, 0.0067%; 1 homozygote.

Submissions (5):

Labcorp Genetics (formerly Invitae), Labcorp
Classification: Uncertain significance for LAMA2-related muscular dystrophy. Last evaluated: 2025-02-02. Review status: criteria provided, single submitter. Criteria: Invitae Variant Classification Sherloc (09022015). Collection method: clinical testing. Allele origin: germline.
Comment: This sequence change replaces arginine, which is basic and polar, with glutamine, which is neutral and polar, at codon 2108 of the LAMA2 protein (p.Arg2108Gln). This variant is present in population databases (rs750999777, gnomAD 0.006%). This variant has not been reported in the literature in individuals affected with LAMA2-related conditions. ClinVar contains an entry for this variant (Variation ID: 543855). Invitae Evidence Modeling of protein sequence and biophysical properties (such as structural, functional, and spatial information, amino acid conservation, physicochemical variation, residue mobility, and thermodynamic stability) indicates that this missense variant is not expected to disrupt LAMA2 protein function with a negative predictive value of 95%. In summary, the available evidence is currently insufficient to determine the role of this variant in disease. Therefore, it has been classified as a Variant of Uncertain Significance.

PreventionGenetics, part of Exact Sciences
Classification: Uncertain significance for LAMA2-related condition. Last evaluated: 2024-10-09. Review status: criteria provided, single submitter. Criteria: ACMG Guidelines, 2015. Collection method: clinical testing. Allele origin: germline.
Comment: The LAMA2 c.6323G>A variant is predicted to result in the amino acid substitution p.Arg2108Gln. To our knowledge, this variant has not been reported in the literature. This variant is reported in 0.0062% of alleles in individuals of European (Non-Finnish) descent in gnomAD. At this time, the clinical significance of this variant is uncertain due to the absence of conclusive functional and genetic evidence.

Ambry Genetics
Classification: Uncertain significance for Inborn genetic diseases. Last evaluated: 2021-05-10. Review status: criteria provided, single submitter. Criteria: Ambry Variant Classification Scheme 2023. Collection method: clinical testing. Allele origin: germline.

GeneDx
Classification: Uncertain significance. Last evaluated: 2019-07-02. Review status: criteria provided, single submitter. Criteria: GeneDx Variant Classification Process June 2021. Collection method: clinical testing. Allele origin: germline. Affected: yes.
Comment: Has not been previously published as pathogenic or benign to our knowledge; Not observed at a significant frequency in large population cohorts (Lek et al., 2016); In silico analysis, which includes protein predictors and evolutionary conservation, supports that this variant does not alter protein structure/function

Illumina Laboratory Services, Illumina
Classification: Uncertain significance for Congenital muscular dystrophy due to partial LAMA2 deficiency. Last evaluated: 2018-01-12. Review status: criteria provided, single submitter. Criteria: ICSL Variant Classification Criteria 13 December 2019. Collection method: clinical testing. Allele origin: germline.